The following is an entry in ClinVar:

ClinVar aggregate classification (germline): Pathogenic (1 of 4 stars; one submission).

Conditions:
Acute myeloid leukemia (AML). Also called: Leukemia, acute myeloid, somatic; Leukemia, acute myelogenous, somatic; Acute myeloid leukemia, adult; AML adult; Acute non-lymphocytic leukemia; Acute granulocytic leukemia. Identifiers: Orphanet 519, MedGen C0023467, MeSH D015470, MONDO:0018874, OMIM 601626, HP:0004808. Disease mechanism: Constitutively activated FLT3.

Submission:

Genetics and Molecular Pathology, SA Pathology
Classification: Pathogenic for Acute myeloid leukemia. Last evaluated: 2020-09-16. Review status: criteria provided, single submitter. Criteria: ACMG Guidelines, 2015. Collection method: clinical testing. Allele origin: germline. Affected: yes.
Comment: The CEBPA c.209del variant is classified as Pathogenic (PVS1, PM2, PP5)

NM_004364.5(CEBPA):c.209del (p.Pro70fs)

Gene: CEBPA (CCAAT enhancer binding protein alpha; minus strand). Cytogenetic location: 19q13.11.
Variant type: Deletion.
Coding change: c.209del on transcript NM_004364.5 (MANE Select); coding-DNA position 209, one base deleted (C; older notation c.209delC).
Protein change: p.Pro70fs; shifts the reading frame from proline 70.
Molecular consequence: frameshift variant. On other transcripts: 5 prime UTR variant (1).
Genome position (GRCh38, 1-based): chr19:33,302,206, G deleted on the plus strand (C on the coding strand, the reverse complement: CEBPA is on the minus strand); the first of 3 consecutive G bases (chr19:33,302,206-33,302,208); deleting any one gives the same sequence. VCF-style (leftmost placement, unchanged base first): chr19-33302205-CG-C. GRCh37 (hg19) VCF-style: chr19-33793111-CG-C.
Other names: c.-149del (NM_001285829.2); c.314del, p.Pro105fs (NM_001287424.2); c.167del, p.Pro56fs (NM_001287435.2); short protein forms P105fs, P56fs, P70fs.
Identifiers: ClinVar variation 1698770 (VCV001698770.2), dbSNP rs2145263762, ClinGen allele CA507007525.